The following is an entry in ClinVar:

NM_152594.3(SPRED1):c.856G>A (p.Asp286Asn)

Gene: SPRED1 (sprouty related EVH1 domain containing 1; plus strand). Cytogenetic location: 15q14.
Variant type: single nucleotide variant.
Coding change: c.856G>A on transcript NM_152594.3 (MANE Select); coding-DNA position 856, G replaced by A.
Protein change: p.Asp286Asn; replaces aspartic acid 286 with asparagine.
Molecular consequence: missense variant.
Genome position (GRCh38, 1-based): chr15:38,351,185, G>A. VCF-style: chr15-38351185-G-A. GRCh37 (hg19) VCF-style: chr15-38643386-G-A.
Other names: c.856G>A (NM_152594.2); short protein forms D286N.
Identifiers: ClinVar variation 1449590 (VCV001449590.9), dbSNP rs2141016195, ClinGen allele CA391933402.

ClinVar aggregate classification (germline): Uncertain significance. Review status: criteria provided, multiple submitters, no conflicts (2 of 4 stars). 2 submissions from 2 submitters: Uncertain significance (2). Last evaluated 2025-04-19.

Conditions:
Legius syndrome. Identifiers: Orphanet 137605, MedGen C1969623, MONDO:0012669, OMIM 611431. Disease mechanism: loss of function.
Cardiovascular phenotype. Identifiers: MedGen CN230736.

Submissions (2):

Ambry Genetics
Classification: Uncertain significance for Cardiovascular phenotype. Last evaluated: 2025-04-19. Review status: criteria provided, single submitter. Criteria: Ambry Variant Classification Scheme 2023. Collection method: clinical testing. Allele origin: germline.
Comment: The p.D286N variant (also known as c.856G>A), located in coding exon 7 of the SPRED1 gene, results from a G to A substitution at nucleotide position 856. The aspartic acid at codon 286 is replaced by asparagine, an amino acid with highly similar properties. This amino acid position is conserved. In addition, this alteration is predicted to be tolerated by in silico analysis. Based on the available evidence, the clinical significance of this variant remains unclear.

Labcorp Genetics (formerly Invitae), Labcorp
Classification: Uncertain significance for Legius syndrome. Last evaluated: 2022-06-26. Review status: criteria provided, single submitter. Criteria: Invitae Variant Classification Sherloc (09022015). Collection method: clinical testing. Allele origin: germline.
Comment: This sequence change replaces aspartic acid, which is acidic and polar, with asparagine, which is neutral and polar, at codon 286 of the SPRED1 protein (p.Asp286Asn). This variant is not present in population databases (gnomAD no frequency). In summary, the available evidence is currently insufficient to determine the role of this variant in disease. Therefore, it has been classified as a Variant of Uncertain Significance. Algorithms developed to predict the effect of missense changes on protein structure and function are either unavailable or do not agree on the potential impact of this missense change (SIFT: "Tolerated"; PolyPhen-2: "Possibly Damaging"; Align-GVGD: "Class C0"). This variant has not been reported in the literature in individuals affected with SPRED1-related conditions.